The following is an entry in ClinVar:

NM_001281432.2(ZNHIT3):c.406C>T (p.Gln136Ter)

Genes: MYO19 (myosin XIX; minus strand), ZNHIT3 (zinc finger HIT-type containing 3; plus strand). Cytogenetic location: 17q12.
Variant type: single nucleotide variant.
Coding change: c.406C>T on transcript NM_001281432.2; coding-DNA position 406, C replaced by T.
Protein change: p.Gln136Ter; replaces glutamine 136 with a stop codon.
Molecular consequence: nonsense. On other transcripts: intron variant (2), non-coding transcript variant (1).
Genome position (GRCh38, 1-based): chr17:36,497,725, C>T. VCF-style: chr17-36497725-C-T. GRCh37 (hg19) VCF-style: chr17-34853569-C-T.
Other names: c.2757+541G>A (NM_001163735.2); c.2157+541G>A (NM_025109.6); short protein forms Q136*.
Identifiers: ClinVar variation 3056481 (VCV003056481.3), dbSNP rs140610432, ClinGen allele CA289928054.

ClinVar aggregate classification (germline): Likely benign. Review status: criteria provided, single submitter (1 of 4 stars). 2 submissions from 2 submitters: Likely benign (1). 1 of the submissions does not count toward it. Last evaluated 2024-10-29.

Conditions:
ZNHIT3-related disorder. Also called: ZNHIT3-related condition.

Allele frequency attached by ClinVar (database versions not stated): gnomAD exomes 0.03782; 1000 Genomes Project 0.06450; gnomAD 0.06963; TOPMed 0.07564; 1000 Genomes Project 30x 0.06949.
gnomAD v4.1: 11,880 of 184,406 alleles (6.4%); highest among the groups gnomAD compares: African/African-American, 16%; 655 homozygotes.

Submissions (2):

Blueprint Genetics
Classification: Likely benign. Last evaluated: 2024-10-29. Review status: criteria provided, single submitter. Criteria: ACMG Guidelines, 2015. Collection method: clinical testing. Allele origin: germline.

PreventionGenetics, part of Exact Sciences
Classification: Benign for ZNHIT3-related condition. Last evaluated: 2019-11-18. Review status: no assertion criteria provided. Collection method: clinical testing. Allele origin: germline. Not counted in ClinVar's aggregate classification.
Comment: This variant is classified as benign based on ACMG/AMP sequence variant interpretation guidelines (Richards et al. 2015 PMID: 25741868, with internal and published modifications).